The following is an entry in ClinVar:

ClinVar aggregate classification (germline): Likely pathogenic. Review status: criteria provided, multiple submitters, no conflicts (2 of 4 stars). 2 submissions from 2 submitters: Likely pathogenic (2). Last evaluated 2023-11-03.

Conditions:
Myopathy, centronuclear, 5 (CNM5). Identifiers: Orphanet 169186, MedGen C4014814, MONDO:0014418, OMIM 615959.

Allele frequency attached by ClinVar (database versions not stated): TOPMed below 0.00001; gnomAD 0.00001; gnomAD exomes below 0.00001.

Submissions (2):

Revvity Omics, Revvity
Classification: Likely pathogenic for Myopathy, centronuclear, 5. Last evaluated: 2023-11-03. Review status: criteria provided, single submitter. Criteria: ACMG Guidelines, 2015. Collection method: clinical testing. Allele origin: germline.

Mayo Clinic Laboratories, Mayo Clinic
Classification: Likely pathogenic. Last evaluated: 2021-12-01. Review status: criteria provided, single submitter. Criteria: ACMG Guidelines, 2015. Collection method: clinical testing. Allele origin: germline.
Comment: PM2, PVS1

NM_005876.5(SPEG):c.6011del (p.Ser2004fs)

Genes: ASIC4-AS1 (ASIC4 antisense RNA 1; minus strand), SPEG (striated muscle enriched protein kinase; plus strand). Cytogenetic location: 2q35.
Variant type: Deletion.
Coding change: c.6011del on transcript NM_005876.5 (MANE Select); coding-DNA position 6011, one base deleted (G; older notation c.6011delG).
Protein change: p.Ser2004fs; shifts the reading frame from serine 2004.
Molecular consequence: frameshift variant.
Genome position (GRCh38, 1-based): chr2:219,483,474, G deleted. VCF-style (leftmost placement, unchanged base first): chr2-219483473-AG-A. GRCh37 (hg19) VCF-style: chr2-220348195-AG-A.
Other names: p.Ser2004Thrfs*235; short protein forms S2004fs.
Identifiers: ClinVar variation 1686639 (VCV001686639.5), dbSNP rs1392086265, ClinGen allele CA764980309.